The following is an entry in ClinVar:

NM_000387.6(SLC25A20):c.812C>T (p.Ala271Val)

Gene: SLC25A20 (solute carrier family 25 member 20; minus strand). Cytogenetic location: 3p21.31.
Variant type: single nucleotide variant.
Coding change: c.812C>T on transcript NM_000387.6 (MANE Select); coding-DNA position 812, C replaced by T.
Protein change: p.Ala271Val; replaces alanine 271 with valine.
Molecular consequence: missense variant.
Genome position (GRCh38, 1-based): chr3:48,858,538, G>A on the plus strand (C>T on the coding strand, the complement: SLC25A20 is on the minus strand). VCF-style: chr3-48858538-G-A. GRCh37 (hg19) VCF-style: chr3-48895971-G-A.
Other names: short protein forms A271V.
Identifiers: ClinVar variation 1958211 (VCV001958211.2), dbSNP rs1192851341, ClinGen allele CA352625855.

ClinVar aggregate classification (germline): Uncertain significance (1 of 4 stars; one submission).

Conditions:
Carnitine acylcarnitine translocase deficiency (CACTD). Identifiers: Orphanet 159, MedGen C0342791, MONDO:0008918, OMIM 212138.

Allele frequency attached by ClinVar (database versions not stated): gnomAD 0.00001; gnomAD exomes 0.00001; TOPMed 0.00001.
gnomAD v4.1: 17 of 1,614,096 alleles (0.0011%); highest among the groups gnomAD compares: African/African-American, 0.004%; no homozygotes.

Submission:

Labcorp Genetics (formerly Invitae), Labcorp
Classification: Uncertain significance for Carnitine acylcarnitine translocase deficiency. Last evaluated: 2022-05-06. Review status: criteria provided, single submitter. Criteria: Invitae Variant Classification Sherloc (09022015). Collection method: clinical testing. Allele origin: germline.
Comment: This sequence change replaces alanine, which is neutral and non-polar, with valine, which is neutral and non-polar, at codon 271 of the SLC25A20 protein (p.Ala271Val). This variant is present in population databases (no rsID available, gnomAD 0.01%). This variant has not been reported in the literature in individuals affected with SLC25A20-related conditions. Algorithms developed to predict the effect of missense changes on protein structure and function are either unavailable or do not agree on the potential impact of this missense change (SIFT: "Tolerated"; PolyPhen-2: "Possibly Damaging"; Align-GVGD: "Class C0"). In summary, the available evidence is currently insufficient to determine the role of this variant in disease. Therefore, it has been classified as a Variant of Uncertain Significance.